The following is an entry in ClinVar:

ClinVar aggregate classification (germline): Uncertain significance. Review status: criteria provided, multiple submitters, no conflicts (2 of 4 stars). 2 submissions from 2 submitters: Uncertain significance (2). Last evaluated 2026-07-21.

Conditions:
Developmental delay, impaired speech, and behavioral abnormalities. Identifiers: MedGen C5561957, MONDO:0859178, OMIM 619475.
SPTBN1-related disorder. Also called: SPTBN1-related condition.

gnomAD v4.1: 7 of 1,614,132 alleles (0.00043%); highest among the groups gnomAD compares: South Asian, 0.0022%; no homozygotes.

Submissions (2):

PreventionGenetics, part of Exact Sciences
Classification: Uncertain significance for SPTBN1-related condition. Last evaluated: 2026-07-21. Review status: criteria provided, single submitter. Criteria: ACMG Guidelines, 2015. Collection method: clinical testing. Allele origin: germline.
Comment: The SPTBN1 c.5638G>A variant is predicted to result in the amino acid substitution p.Asp1880Asn. To our knowledge, this variant has not been reported in the literature. This variant is reported in 0.00088% of alleles in individuals of European (Non-Finnish) descent in gnomAD. At this time, the clinical significance of this variant is uncertain due to the absence of conclusive functional and genetic evidence.

Laboratorio de Genetica e Diagnostico Molecular, Hospital Israelita Albert Einstein
Classification: Uncertain significance for Developmental delay, impaired speech, and behavioral abnormalities. Last evaluated: 2023-08-26. Review status: criteria provided, single submitter. Criteria: ACMG Guidelines, 2015. Collection method: clinical testing. Allele origin: germline. Affected: yes.
Comment: ACMG classification criteria: PM2 supporting, BP4 supporting

NM_003128.3(SPTBN1):c.5638G>A (p.Asp1880Asn)

Gene: SPTBN1 (spectrin beta, non-erythrocytic 1; plus strand). Cytogenetic location: 2p16.2.
Variant type: single nucleotide variant.
Coding change: c.5638G>A on transcript NM_003128.3 (MANE Select); coding-DNA position 5638, G replaced by A.
Protein change: p.Asp1880Asn; replaces aspartic acid 1880 with asparagine.
Molecular consequence: missense variant.
Genome position (GRCh38, 1-based): chr2:54,653,669, G>A. VCF-style: chr2-54653669-G-A. GRCh37 (hg19) VCF-style: chr2-54880806-G-A.
Other names: c.5599G>A, p.Asp1867Asn (NM_178313.3); c.5638G>A (NM_003128.2); short protein forms D1867N, D1880N.
Identifiers: ClinVar variation 4076218 (VCV004076218.2).